The following is an entry in ClinVar:

NM_032520.5(GNPTG):c.362T>G (p.Met121Arg)

Gene: GNPTG (N-acetylglucosamine-1-phosphate transferase subunit gamma; plus strand). Cytogenetic location: 16p13.3.
Variant type: single nucleotide variant.
Coding change: c.362T>G on transcript NM_032520.5 (MANE Select); coding-DNA position 362, T replaced by G.
Protein change: p.Met121Arg; replaces methionine 121 with arginine.
Molecular consequence: missense variant.
Genome position (GRCh38, 1-based): chr16:1,362,082, T>G. VCF-style: chr16-1362082-T-G. GRCh37 (hg19) VCF-style: chr16-1412083-T-G.
Other names: c.362T>G (NM_032520.4); short protein forms M121R.
Identifiers: ClinVar variation 2115804 (VCV002115804.4), dbSNP rs747291812, ClinGen allele CA394187275.

ClinVar aggregate classification (germline): Uncertain significance. Review status: criteria provided, multiple submitters, no conflicts (2 of 4 stars). 2 submissions from 2 submitters: Uncertain significance (2). Last evaluated 2025-11-12.

Conditions:
Inborn genetic diseases. Identifiers: MedGen C0950123, MeSH D030342.

Submissions (2):

Ambry Genetics
Classification: Uncertain significance for Inborn genetic diseases. Last evaluated: 2025-11-12. Review status: criteria provided, single submitter. Criteria: Ambry Variant Classification Scheme 2023. Collection method: clinical testing. Allele origin: germline.

Labcorp Genetics (formerly Invitae), Labcorp
Classification: Uncertain significance. Last evaluated: 2022-03-26. Review status: criteria provided, single submitter. Criteria: Invitae Variant Classification Sherloc (09022015). Collection method: clinical testing. Allele origin: germline.
Comment: Algorithms developed to predict the effect of missense changes on protein structure and function (SIFT, PolyPhen-2, Align-GVGD) all suggest that this variant is likely to be disruptive. This variant has not been reported in the literature in individuals affected with GNPTG-related conditions. This variant is not present in population databases (gnomAD no frequency). This sequence change replaces methionine, which is neutral and non-polar, with arginine, which is basic and polar, at codon 121 of the GNPTG protein (p.Met121Arg). In summary, the available evidence is currently insufficient to determine the role of this variant in disease. Therefore, it has been classified as a Variant of Uncertain Significance.